The following is an entry in ClinVar:

ClinVar aggregate classification (germline): Pathogenic (3 of 4 stars; one submission).

Conditions:
Breast-ovarian cancer, familial, susceptibility to, 1 (BROVCA1). Also called: BRCA1 Hereditary Breast and Ovarian Cancer; OVARIAN CANCER, SUSCEPTIBILITY TO. Identifiers: Orphanet 145, MedGen C2676676, MONDO:0011450, OMIM 604370. Disease mechanism: loss of function.

Submission:

Evidence-based Network for the Interpretation of Germline Mutant Alleles (ENIGMA)
Classification: Pathogenic for Breast-ovarian cancer, familial, susceptibility to, 1. Last evaluated: 2016-09-08. Review status: reviewed by expert panel. Criteria: ENIGMA BRCA1/2 Classification Criteria (2015). Collection method: curation. Allele origin: germline.
Comment: Variant allele predicted to encode a truncated non-functional protein.

NM_007294.4(BRCA1):c.897del (p.Glu300fs)

Gene: BRCA1 (BRCA1 DNA repair associated; minus strand). Cytogenetic location: 17q21.31.
Variant type: Deletion.
Coding change: c.897del on transcript NM_007294.4 (MANE Select); coding-DNA position 897, one base deleted (A; older notation c.897delA).
Protein change: p.Glu300fs; shifts the reading frame from glutamic acid 300.
Molecular consequence: frameshift variant. On other transcripts: intron variant (137).
Genome position (GRCh38, 1-based): chr17:43,094,634, T deleted on the plus strand (A on the coding strand, the reverse complement: BRCA1 is on the minus strand). VCF-style (leftmost placement, unchanged base first): chr17-43094633-CT-C. GRCh37 (hg19) VCF-style: chr17-41246650-CT-C.
Other names: c.684del, p.Glu229fs (NM_001407571.1, NM_001407853.1, NM_001407894.1 and 9 more transcripts); c.897del, p.Glu300fs (NM_001407581.1, NM_001407582.1, NM_001407583.1 and 30 more transcripts); c.894del, p.Glu299fs (NM_001407587.1, NM_001407590.1, NM_001407591.1 and 22 more transcripts); c.888del, p.Glu297fs (NM_001407646.1, NM_001407647.1); c.774del, p.Glu259fs (NM_001407648.1, NM_001407664.1, NM_001407665.1 and 19 more transcripts); c.771del, p.Glu258fs (NM_001407649.1, NM_001407670.1, NM_001407671.1 and 11 more transcripts); c.819del, p.Glu274fs (NM_001407653.1, NM_001407654.1, NM_001407655.1 and 4 more transcripts); c.816del, p.Glu273fs (NM_001407659.1, NM_001407660.1, NM_001407661.1 and 1 more transcripts); and 40 more; short protein forms E253fs, E300fs, E188fs, E252fs, E273fs, E4fs, E132fs, E173fs.
Identifiers: ClinVar variation 254384 (VCV000254384.3), dbSNP rs886037982, ClinGen allele CA10586662.